The following is an entry in ClinVar:

NM_006019.4(TCIRG1):c.1812del (p.Ser605fs)

Gene: TCIRG1 (T cell immune regulator 1, ATPase H+ transporting V0 subunit a3; plus strand). Cytogenetic location: 11q13.2.
Variant type: Deletion.
Coding change: c.1812del on transcript NM_006019.4 (MANE Select); coding-DNA position 1812, one base deleted (C; older notation c.1812delC).
Protein change: p.Ser605fs; shifts the reading frame from serine 605.
Molecular consequence: frameshift variant.
Genome position (GRCh38, 1-based): chr11:68,049,219, C deleted; the last of 5 consecutive C bases (chr11:68,049,215-68,049,219); deleting any one gives the same sequence. VCF-style (leftmost placement, unchanged base first): chr11-68049214-GC-G. GRCh37 (hg19) VCF-style: chr11-67816681-GC-G.
Other names: c.918del, p.Ser307fs (NM_001351059.2); c.1164del, p.Ser389fs (NM_006053.4); short protein forms S307fs, S389fs, S605fs.
Identifiers: ClinVar variation 1726423 (VCV001726423.2), dbSNP rs2495659079, ClinGen allele CA2580084829.
Genomic context (GRCh38, chr11:68,049,214, plus strand): 5'-TACCTCGTGTTCCTAGTCATCTACAAGTGGCTGTGTGTCTGGGCTGCCAGGGCCGCCTCG[GC>G]CCCCAGCATCCTCATCCACTTCATCAACATGTTCCTCTTCTCCCACAGCCCCAGCAACAG-3'

ClinVar aggregate classification (germline): Likely pathogenic (1 of 4 stars; one submission).

Conditions:
Autosomal recessive osteopetrosis 1. Also called: TCIRG1-Related Autosomal Recessive Osteopetrosis; ALBERS-SCHONBERG DISEASE, AUTOSOMAL RECESSIVE; TCIRG1-Related Osteopetrosis. Identifiers: Orphanet 667, MedGen C1850127, MONDO:0009815, OMIM 259700.

Submission:

Myriad Genetics, Inc.
Classification: Likely pathogenic for Autosomal recessive osteopetrosis 1. Last evaluated: 2021-12-17. Review status: criteria provided, single submitter. Criteria: Myriad Women's Health Autosomal Recessive and X-Linked Classification Criteria (2021). Collection method: clinical testing. Allele origin: unknown.
Comment: NM_006019.3(TCIRG1):c.1812delC(S605Afs*82) is expected to be pathogenic in the context of autosomal recessive osteopetrosis type 1. This variant is predicted to lead to an abnormal or absent protein product due to the creation of a premature termination codon in TCIRG1, a gene where loss-of-function variants are known to be pathogenic. Please note: this variant was assessed in the context of healthy population screening.